The following is an entry in ClinVar:

NM_003742.4(ABCB11):c.749C>G (p.Pro250Arg)

Gene: ABCB11 (ATP binding cassette subfamily B member 11; minus strand). Cytogenetic location: 2q31.1.
Variant type: single nucleotide variant.
Coding change: c.749C>G on transcript NM_003742.4 (MANE Select); coding-DNA position 749, C replaced by G.
Protein change: p.Pro250Arg; replaces proline 250 with arginine.
Molecular consequence: missense variant.
Genome position (GRCh38, 1-based): chr2:168,993,745, G>C on the plus strand (C>G on the coding strand, the complement: ABCB11 is on the minus strand). VCF-style: chr2-168993745-G-C. GRCh37 (hg19) VCF-style: chr2-169850255-G-C.
Other names: short protein forms P250R.
Identifiers: ClinVar variation 4846114 (VCV004846114.1).
Genomic context (GRCh38, chr2:168,993,745, plus strand): 5'-GGAGAGATGCAAAAAGACATTCTTACCAGACCAATGGTGGCTGCTCCAATCCCAATGAGA[G>C]GGCTGACAGAAATAATAACCAAGGTCAGTTTCCAACCCCTGAAAAATCCCAACAGGAAAC-3'
Protein context (NP_003733.2, residues 240-260): KLTLVIISVS[Pro250Arg]LIGIGAATIG

ClinVar aggregate classification (germline): Uncertain significance (1 of 4 stars; one submission).

Conditions:
Familial intrahepatic cholestasis. Identifiers: Orphanet 284385, MedGen CN296401, MONDO:0017290.

Submission:

Genomenon, Inc
Classification: Uncertain significance for Familial intrahepatic cholestasis. Last evaluated: 2026-04-14. Review status: criteria provided, single submitter. Criteria: Genomenon Sequence Variant Interpretation Standards - Updated. Collection method: curation. Allele origin: germline. Affected: yes.
Comment: ABCB11 p.Pro250Arg (c.749C>G) is a missense variant that changes the amino acid at residue 250 from Proline to Arginine. This variant has been observed in at least one proband with an ABCB11-related disorder (PMID:32087350). It is absent or not present at a significant frequency in gnomAD. In silico models predict that this variant is possibly or probably damaging. In conclusion, we classify ABCB11 p.Pro250Arg (c.749C>G) as a variant of uncertain significance.

Literature cited by the submitters: PubMed 32087350.